The following is an entry in ClinVar:

NM_000784.4(CYP27A1):c.1064del (p.Pro355fs)

Gene: CYP27A1 (cytochrome P450 family 27 subfamily A member 1; plus strand). Cytogenetic location: 2q35.
Variant type: Deletion.
Coding change: c.1064del on transcript NM_000784.4 (MANE Select); coding-DNA position 1064, one base deleted (C; older notation c.1064delC).
Protein change: p.Pro355fs; shifts the reading frame from proline 355.
Molecular consequence: frameshift variant.
Genome position (GRCh38, 1-based): chr2:218,814,067, C deleted; the last of 3 consecutive C bases (chr2:218,814,065-218,814,067); deleting any one gives the same sequence. VCF-style (leftmost placement, unchanged base first): chr2-218814064-AC-A. GRCh37 (hg19) VCF-style: chr2-219678787-AC-A.
Other names: short protein forms P355fs.
Identifiers: ClinVar variation 642850 (VCV000642850.9), dbSNP rs1575206688, ClinGen allele CA915941722.

ClinVar aggregate classification (germline): Pathogenic/Likely pathogenic. Review status: criteria provided, multiple submitters, no conflicts (2 of 4 stars). 2 submissions from 2 submitters: Pathogenic (1); Likely pathogenic (1). Last evaluated 2025-11-21.

Conditions:
Cholestanol storage disease (CTX). Also called: Cerebrotendinous Xanthomatosis; CEREBRAL CHOLESTERINOSIS; CTX: Cerebrotendinous xanthomatosis. Identifiers: Orphanet 909, MedGen C0238052, MONDO:0008948, OMIM 213700.

Submissions (2):

Labcorp Genetics (formerly Invitae), Labcorp
Classification: Pathogenic for Cholestanol storage disease. Last evaluated: 2025-11-21. Review status: criteria provided, single submitter. Criteria: Invitae Variant Classification Sherloc (09022015). Collection method: clinical testing. Allele origin: germline.
Comment: This sequence change creates a premature translational stop signal (p.Pro355Leufs*53) in the CYP27A1 gene. It is expected to result in an absent or disrupted protein product. Loss-of-function variants in CYP27A1 are known to be pathogenic (PMID: 9392430, 10775536, 26937392). This variant is not present in population databases (gnomAD no frequency). This variant has not been reported in the literature in individuals affected with CYP27A1-related conditions. ClinVar contains an entry for this variant (Variation ID: 642850). For these reasons, this variant has been classified as Pathogenic.

Natera, Inc.
Classification: Likely pathogenic for Cerebrotendinous xanthomatosis. Last evaluated: 2024-07-01. Review status: criteria provided, single submitter. Criteria: Natera Variant Classification Schema (03/2026). Collection method: clinical testing. Allele origin: germline.
Comment: The c.1064delC variant in CYP27A1 is a frameshift variant predicted to shift the reading frame beginning at codon 355 and leads to a stop codon 53 codons downstream. This variant is expected to result in nonsense mediated decay, truncation, or a dysfunctional protein product. This variant is rare in the general population with a frequency below the threshold expected for the associated phenotype(s). Given the available evidence, this variant is classified as Likely Pathogenic.

Literature cited by the submitters: PubMed 9392430 (cited by Labcorp Genetics (formerly Invitae), Labcorp); PubMed 10775536 (cited by Labcorp Genetics (formerly Invitae), Labcorp); PubMed 26937392 (cited by Labcorp Genetics (formerly Invitae), Labcorp).